The following is an entry in ClinVar:

NM_003742.4(ABCB11):c.1984del (p.Gln662fs)

Gene: ABCB11 (ATP binding cassette subfamily B member 11; minus strand). Cytogenetic location: 2q31.1.
Variant type: Deletion.
Coding change: c.1984del on transcript NM_003742.4 (MANE Select); coding-DNA position 1984, one base deleted (C; older notation c.1984delC).
Protein change: p.Gln662fs; shifts the reading frame from glutamine 662.
Molecular consequence: frameshift variant.
Genome position (GRCh38, 1-based): chr2:168,969,377, G deleted on the plus strand (C on the coding strand, the reverse complement: ABCB11 is on the minus strand). VCF-style (leftmost placement, unchanged base first): chr2-168969376-TG-T. GRCh37 (hg19) VCF-style: chr2-169825886-TG-T.
Other names: c.1984delC (NM_003742.4); short protein forms Q662fs.
Identifiers: ClinVar variation 4815267 (VCV004815267.1).
Genomic context (GRCh38, chr2:168,969,376, plus strand): 5'-ATATAACATACAAGTATAGGGAAAAAGCACTTGCCCTTTATGTCCTCTTCATTAAGAGCT[TG>T]ATTTCCCTGGCTTTGCAAAGTCACTAGAGTGAAGTAAACACCTTTCCTTTCCAGTAATTC-3'

ClinVar aggregate classification (germline): Likely pathogenic (1 of 4 stars; one submission).

Conditions:
Progressive familial intrahepatic cholestasis type 2. Identifiers: Orphanet 79304, MedGen C3489789, MONDO:0011156, OMIM 601847.

Submission:

Natera, Inc.
Classification: Likely pathogenic for Progressive familial intrahepatic cholestasis type 2. Last evaluated: 2024-03-11. Review status: criteria provided, single submitter. Criteria: Natera Variant Classification Schema (03/2026). Collection method: clinical testing. Allele origin: germline.
Comment: The c.1984delC variant in ABCB11 is a frameshift variant predicted to shift the reading frame beginning at codon 662 and leads to a stop codon 8 codons downstream. This variant is expected to result in nonsense mediated decay, truncation, or a dysfunctional protein product. This variant is rare in the general population with a frequency below the threshold expected for the associated phenotype(s). Given the available evidence, this variant is classified as Likely Pathogenic.